The following is an entry in ClinVar:

NM_001012614.2(CTBP1):c.843C>T (p.His281=)

Genes: CTBP1 (C-terminal binding protein 1; minus strand), CTBP1-AS (CTBP1 antisense RNA; plus strand). Cytogenetic location: 4p16.3.
Variant type: single nucleotide variant.
Coding change: c.843C>T on transcript NM_001012614.2 (MANE Select); coding-DNA position 843, C replaced by T.
Protein change: p.His281=; no amino-acid change (histidine 281 retained).
Molecular consequence: synonymous variant.
Genome position (GRCh38, 1-based): chr4:1,214,360, G>A on the plus strand (C>T on the coding strand, the complement: CTBP1 is on the minus strand). VCF-style: chr4-1214360-G-A. GRCh37 (hg19) VCF-style: chr4-1208148-G-A.
Other names: c.876C>T, p.His292= (NM_001328.3).
Identifiers: ClinVar variation 729463 (VCV000729463.24), dbSNP rs746419297, ClinGen allele CA2804289.
Genomic context (GRCh38, chr4:1,214,360, plus strand): 5'-TGGACAGGGAAGAGCAGGGGGGCGGCACTGGCCGTGGGGGCACCTGAAGGGTTCCGACTC[G>A]TGCACATCCAGGGCCGCGCCGCGGATCCGGCCCTCCTTCAGGGCCTGGGCCAGCGCCTTC-3'
Protein context (NP_001012632.1, residues 271-291): GRIRGAALDV[His281=]ESEPFSFSQG

ClinVar aggregate classification (germline): Likely benign. Review status: criteria provided, multiple submitters, no conflicts (2 of 4 stars). 4 submissions from 4 submitters: Likely benign (3). 1 of the submissions does not count toward it. Last evaluated 2026-01-05.

Conditions:
CTBP1-related disorder. Also called: CTBP1-related condition.

Allele frequency attached by ClinVar (database versions not stated): gnomAD 0.00006; TOPMed 0.00015.
gnomAD v4.1: 370 of 1,567,078 alleles (0.024%); highest among the groups gnomAD compares: Non-Finnish European, 0.03%; no homozygotes.

Submissions (4):

Labcorp Genetics (formerly Invitae), Labcorp
Classification: Likely benign. Last evaluated: 2026-01-05. Review status: criteria provided, single submitter. Criteria: Invitae Variant Classification Sherloc (09022015). Collection method: clinical testing. Allele origin: germline.

CeGaT Center for Human Genetics Tuebingen
Classification: Likely benign. Last evaluated: 2024-09-01. Review status: criteria provided, single submitter. Criteria: CeGaT Center For Human Genetics Tuebingen Variant Classification Criteria Version 2. Collection method: clinical testing. Allele origin: germline. Affected: yes. Observed: 1 variant allele.
Comment: CTBP1: BP4, BP7

Blueprint Genetics
Classification: Likely benign. Last evaluated: 2021-09-14. Review status: criteria provided, single submitter. Criteria: ACMG Guidelines, 2015. Collection method: clinical testing. Allele origin: germline.

PreventionGenetics, part of Exact Sciences
Classification: Likely benign for CTBP1-related condition. Last evaluated: 2019-06-03. Review status: no assertion criteria provided. Collection method: clinical testing. Allele origin: germline. Not counted in ClinVar's aggregate classification.
Comment: This variant is classified as likely benign based on ACMG/AMP sequence variant interpretation guidelines (Richards et al. 2015 PMID: 25741868, with internal and published modifications).